The following is an entry in ClinVar:

ClinVar aggregate classification (germline): Pathogenic (1 of 4 stars; one submission).

Conditions:
Neurodevelopmental disorder. Identifiers: MedGen C1535926, MeSH D065886, MONDO:0700092.

Submission:

Broad Center for Mendelian Genomics, Broad Institute of MIT and Harvard
Classification: Pathogenic for Neurodevelopmental disorder. Last evaluated: 2023-08-24. Review status: criteria provided, single submitter. Criteria: ACMG/ClinGen CNV Guidelines, 2019. Collection method: research. Allele origin: de novo. Inheritance: Autosomal dominant inheritance. Affected: yes.
Comment: These breakpoints have been estimated by exome sequencing only and therefore may not reflect the true breakpoints. The patient phenotype is nonspecific, but is consistent with cases described in the literature and/or published databases with overlapping variants. There are no known triplosensitive genes contained within the duplicated region, but a triplosensitivity predictor suggests that at least one gene (NSMCE2) included in this duplication is triplosensitive. In summary, the 8q23.3-q24.23 duplication meets criteria to be classified as pathogenic. The ACMG/ClinGen evidence codes and points used in this curation are as follows: 1: 0 points, 2: 0 points, 3: 0.90 points, 4-5: 0.15 points; Total: 1.05 points; Riggs 2020 (PMID: 31690835).

GRCh38/hg38 8q23.3-24.23(chr8:115586904-135607135)x3

Genes: AARD (alanine and arginine rich domain containing protein; plus strand), ADCY8 (adenylate cyclase 8; minus strand), ANXA13 (annexin A13; minus strand), ASAP1 (ArfGAP with SH3 domain, ankyrin repeat and PH domain 1; minus strand), ASAP1-IT1 (ASAP1 intronic transcript 1; minus strand) and 561 more. Cytogenetic location: 8q23.3-24.23.
Variant type: copy number gain.
Change: copy number 3 (three copies instead of two) of chr8:115,586,904-135,607,135 (20.02 Mb, GRCh38 coordinates, 1-based), cytogenetic band 8q23.3-24.23.
Identifiers: ClinVar variation 2579176 (VCV002579176.1).